The following is an entry in ClinVar:

NM_004456.5(EZH2):c.235G>A (p.Gly79Arg)

Gene: EZH2 (enhancer of zeste 2 polycomb repressive complex 2 subunit; minus strand). Cytogenetic location: 7q36.1.
Variant type: single nucleotide variant.
Coding change: c.235G>A on transcript NM_004456.5 (MANE Select); coding-DNA position 235, G replaced by A.
Protein change: p.Gly79Arg; replaces glycine 79 with arginine.
Molecular consequence: missense variant. On other transcripts: intron variant (2).
Genome position (GRCh38, 1-based): chr7:148,846,481, C>T on the plus strand (G>A on the coding strand, the complement: EZH2 is on the minus strand). VCF-style: chr7-148846481-C-T. GRCh37 (hg19) VCF-style: chr7-148543573-C-T.
Other names: c.235G>A, p.Gly79Arg (NM_001203247.2, NM_152998.3); c.219+16G>A (NM_001203248.2, NM_001203249.2); short protein forms G79R.
Identifiers: ClinVar variation 2430918 (VCV002430918.3), dbSNP rs1388815758, ClinGen allele CA369708100.
Genomic context (GRCh38, chr7:148,846,481, plus strand): 5'-ATAAACCAAAAGATGATGATAATTACTACAACATGTTATGTTAACCAACCTCCCTAGTCC[C>T]GCGCAATGAGCTCACAGAAGTCAGGATGTGCACAGGCTGTATCCTTCGCTGTTTCCATTC-3'
Protein context (NP_004447.2, residues 69-89): HILTSVSSLR[Gly79Arg]TRECSVTSDL

ClinVar aggregate classification (germline): Conflicting classifications of pathogenicity. Review status: criteria provided, conflicting classifications (1 of 4 stars). 2 submissions from 2 submitters: Likely pathogenic (1); Uncertain significance (1). Last evaluated 2023-06-06.

Conditions:
Weaver syndrome (WVS). Also called: Weaver Smith syndrome; Overgrowth syndrome with accelerated skeletal maturation, unusual facies, and camptodactyly. Identifiers: Orphanet 3447, MedGen C0265210, MONDO:0010193, OMIM 277590.

Allele frequency attached by ClinVar (database versions not stated): gnomAD exomes 0.00001.
gnomAD v4.1: 9 of 1,613,392 alleles (0.00056%); highest among the groups gnomAD compares: Admixed American, 0.0017%; no homozygotes.

Submissions (2):

Genetics and Molecular Pathology, SA Pathology
Classification: Likely pathogenic for Weaver syndrome. Last evaluated: 2023-06-06. Review status: criteria provided, single submitter. Criteria: ACMG Guidelines, 2015. Collection method: clinical testing. Allele origin: germline. Affected: yes.

GeneDx
Classification: Uncertain significance. Last evaluated: 2022-08-23. Review status: criteria provided, single submitter. Criteria: GeneDx Variant Classification Process June 2021. Collection method: clinical testing. Allele origin: germline. Affected: yes.
Comment: Not observed at significant frequency in large population cohorts (gnomAD); In silico analysis supports that this missense variant does not alter protein structure/function; Has not been previously published as pathogenic or benign to our knowledge